The following is an entry in ClinVar:

ClinVar aggregate classification (germline): Uncertain significance (1 of 4 stars; one submission).

Submission:

Labcorp Genetics (formerly Invitae), Labcorp
Classification: Uncertain significance. Last evaluated: 2025-02-25. Review status: criteria provided, single submitter. Criteria: Invitae Variant Classification Sherloc (09022015). Collection method: clinical testing. Allele origin: germline.
Comment: This sequence change replaces aspartic acid, which is acidic and polar, with valine, which is neutral and non-polar, at codon 73 of the BACH2 protein (p.Asp73Val). This variant is not present in population databases (gnomAD no frequency). This variant has not been reported in the literature in individuals affected with BACH2-related conditions. Invitae Evidence Modeling of protein sequence and biophysical properties (such as structural, functional, and spatial information, amino acid conservation, physicochemical variation, residue mobility, and thermodynamic stability) indicates that this missense variant is not expected to disrupt BACH2 protein function with a negative predictive value of 80%. In summary, the available evidence is currently insufficient to determine the role of this variant in disease. Therefore, it has been classified as a Variant of Uncertain Significance.

NM_021813.4(BACH2):c.218A>T (p.Asp73Val)

Gene: BACH2 (BACH transcriptional regulator 2; minus strand). Cytogenetic location: 6q15.
Variant type: single nucleotide variant.
Coding change: c.218A>T on transcript NM_021813.4 (MANE Select); coding-DNA position 218, A replaced by T.
Protein change: p.Asp73Val; replaces aspartic acid 73 with valine.
Molecular consequence: missense variant.
Genome position (GRCh38, 1-based): chr6:90,008,627, T>A on the plus strand (A>T on the coding strand, the complement: BACH2 is on the minus strand). VCF-style: chr6-90008627-T-A. GRCh37 (hg19) VCF-style: chr6-90718346-T-A.
Other names: c.218A>T, p.Asp73Val (NM_001170794.2); short protein forms D73V.
Identifiers: ClinVar variation 4745063 (VCV004745063.1).
Genomic context (GRCh38, chr6:90,008,627, plus strand): 5'-ATTCATTAACAATCACACAAACCAAATTACTGTACCTCCTCAGGCAAGCTGACCACCAAA[T>A]CATTTTTTGTCTGTCCAACCAGCGCCTGCCAAAAATATTCACTGCATGCGGCCAGCACAG-3'
Protein context (NP_068585.1, residues 63-83): WQALVGQTKN[Asp73Val]LVVSLPEEVT